The following is an entry in ClinVar:

ClinVar aggregate classification (germline): Uncertain significance (1 of 4 stars; one submission).

Submission:

Medical Genetic Center, Changzhi Maternal and Child Health Care Hospital
Classification: Uncertain significance. Last evaluated: 2025-12-10. Review status: criteria provided, single submitter. Criteria: ACMG/ClinGen CNV Guidelines, 2019. Collection method: clinical testing. Allele origin: unknown.
Comment: 16p13.11 recurrent region (BP2-BP3) (includes MYH11) (TS=2)

GRCh38/hg38 16p13.11(chr16:14964966-16184275)x3

Genes: ABCC1 (ATP binding cassette subfamily C member 1 (ABCC1 blood group); plus strand), ABCC6 (ATP binding cassette subfamily C member 6; minus strand), BMERB1 (bMERB domain containing 1; plus strand), CEP20 (centrosomal protein 20; minus strand), MARF1 (meiosis regulator and mRNA stability factor 1; minus strand) and 32 more. Cytogenetic location: 16p13.11.
Variant type: copy number gain.
Change: copy number 3 (three copies instead of two) of chr16:14,964,966-16,184,275 (1.22 Mb, GRCh38 coordinates, 1-based), cytogenetic band 16p13.11.
Identifiers: ClinVar variation 4796126 (VCV004796126.1).